The following is an entry in ClinVar:

NM_000256.3(MYBPC3):c.1038C>T (p.Arg346=)

Gene: MYBPC3 (myosin binding protein C3; minus strand). Cytogenetic location: 11p11.2.
Variant type: single nucleotide variant.
Coding change: c.1038C>T on transcript NM_000256.3 (MANE Select); coding-DNA position 1038, C replaced by T.
Protein change: p.Arg346=; no amino-acid change (arginine 346 retained).
Molecular consequence: synonymous variant.
Genome position (GRCh38, 1-based): chr11:47,346,259, G>A on the plus strand (C>T on the coding strand, the complement: MYBPC3 is on the minus strand). VCF-style: chr11-47346259-G-A. GRCh37 (hg19) VCF-style: chr11-47367810-G-A.
Other names: c.1038C>T, p.Arg346= (LRG_386t1).
Identifiers: ClinVar variation 237420 (VCV000237420.20), dbSNP rs758016271, ClinGen allele CA042114.

ClinVar aggregate classification (germline): Conflicting classifications of pathogenicity. Review status: criteria provided, conflicting classifications (1 of 4 stars). 7 submissions from 7 submitters: Uncertain significance (1); Likely benign (5). 1 of the submissions does not count toward it. Last evaluated 2025-06-03.

Conditions:
MYBPC3-related disorder. Also called: MYBPC3-related disorders; MYBPC3-related condition; MYBPC3-related disease.
Cardiovascular phenotype. Identifiers: MedGen CN230736.
Cardiomyopathy (CMYO). Also called: Cardiomyopathies. Identifiers: Orphanet 167848, MedGen C0878544, MONDO:0004994, HP:0001638. Inheritance: Various modes of inheritance.
Hypertrophic cardiomyopathy. Also called: HYPERTROPHIC MYOCARDIOPATHY. Identifiers: Orphanet 217569, MedGen C0007194, MeSH D002312, MONDO:0005045, HP:0001639.

Allele frequency attached by ClinVar (database versions not stated): gnomAD exomes below 0.00001 and 0.00001; gnomAD 0.00001; ExAC 0.00002; TOPMed 0.00002.
gnomAD v4.1: 5 of 1,613,750 alleles (0.00031%); highest among the groups gnomAD compares: African/African-American, 0.0027%; no homozygotes.

Submissions (7):

Labcorp Genetics (formerly Invitae), Labcorp
Classification: Likely benign for Hypertrophic cardiomyopathy. Last evaluated: 2025-06-03. Review status: criteria provided, single submitter. Criteria: Invitae Variant Classification Sherloc (09022015). Collection method: clinical testing. Allele origin: germline.

All of Us Research Program, National Institutes of Health
Classification: Likely benign for Hypertrophic cardiomyopathy. Last evaluated: 2023-12-15. Review status: criteria provided, single submitter. Criteria: ACMG Guidelines, 2015. Collection method: clinical testing. Allele origin: germline. Inheritance: Autosomal dominant inheritance. Observed: 3 variant alleles, 3 heterozygotes.
Comment: This study involves interpretation of variants in research participants for the purpose of population health screening. Participant phenotype was not available at the time of variant classification. Additional details can be found in publication PMID: 35346344, PMCID: PMC8962531

Ambry Genetics
Classification: Likely benign for Cardiovascular phenotype. Last evaluated: 2021-01-21. Review status: criteria provided, single submitter. Criteria: Ambry Variant Classification Scheme 2023. Collection method: clinical testing. Allele origin: germline.

Color Diagnostics, LLC DBA Color Health
Classification: Likely benign for Cardiomyopathy. Last evaluated: 2019-07-02. Review status: criteria provided, single submitter. Criteria: ACMG Guidelines, 2015. Collection method: clinical testing. Allele origin: germline.

GeneDx
Classification: Likely benign. Last evaluated: 2018-09-14. Review status: criteria provided, single submitter. Criteria: GeneDx Variant Classification Process June 2021. Collection method: clinical testing. Allele origin: germline. Affected: yes.

CHEO Genetics Diagnostic Laboratory, Children's Hospital of Eastern Ontario
Classification: Uncertain significance for Cardiomyopathy. Last evaluated: 2015-09-30. Review status: criteria provided, single submitter. Criteria: ACMG Guidelines, 2015. Collection method: clinical testing. Allele origin: germline. Study: Canadian Open Genetics Repository.

PreventionGenetics, part of Exact Sciences
Classification: Likely benign for MYBPC3-related condition. Last evaluated: 2024-05-08. Review status: no assertion criteria provided. Collection method: clinical testing. Allele origin: germline. Not counted in ClinVar's aggregate classification.
Comment: This variant is classified as likely benign based on ACMG/AMP sequence variant interpretation guidelines (Richards et al. 2015 PMID: 25741868, with internal and published modifications).